The following is an entry in ClinVar:

NM_021930.6(RINT1):c.274-2A>G

Gene: RINT1 (RAD50 interactor 1; plus strand). Cytogenetic location: 7q22.3.
Variant type: single nucleotide variant.
Coding change: c.274-2A>G on transcript NM_021930.6 (MANE Select); the canonical splice acceptor site of the intron before coding-DNA position 274, A replaced by G.
Molecular consequence: splice acceptor variant.
Genome position (GRCh38, 1-based): chr7:105,542,406, A>G. VCF-style: chr7-105542406-A-G. GRCh37 (hg19) VCF-style: chr7-105182853-A-G.
Other names: c.-746-2A>G (NM_001346600.2); c.-649-2A>G (NM_001346601.2); c.-269-2A>G (NM_001346603.2); c.40-2A>G (NM_001346599.2).
Identifiers: ClinVar variation 2496980 (VCV002496980.2), dbSNP rs1790495495, ClinGen allele CA368802658.

ClinVar aggregate classification (germline): Uncertain significance (1 of 4 stars; one submission).

Allele frequency attached by ClinVar (database versions not stated): gnomAD 0.00001; TOPMed 0.00001.

Submission:

Ambry Genetics
Classification: Uncertain significance. Last evaluated: 2023-03-03. Review status: criteria provided, single submitter. Criteria: Ambry Variant Classification Scheme 2023. Collection method: clinical testing. Allele origin: germline.
Comment: The c.274-2A>G intronic variant results from an A to G substitution two nucleotides upstream from coding exon 4 in the RINT1 gene. This nucleotide position is highly conserved in available vertebrate species. In silico splice site analysis predicts that this alteration will weaken the native splice acceptor site and will result in the creation or strengthening of a novel splice acceptor site. Alterations that disrupt the canonical splice site are expected to cause aberrant splicing, resulting in an abnormal protein or a transcript that is subject to nonsense-mediated mRNA decay. The evidence for this gene-disease relationship is limited; therefore, the clinical significance of this alteration is unclear.